The following is an entry in ClinVar:

ClinVar aggregate classification (germline): Uncertain significance (1 of 4 stars; one submission).

Allele frequency attached by ClinVar (database versions not stated): TOPMed below 0.00001.

Submission:

GeneDx
Classification: Uncertain significance. Last evaluated: 2022-01-28. Review status: criteria provided, single submitter. Criteria: GeneDx Variant Classification Process June 2021. Collection method: clinical testing. Allele origin: germline. Affected: yes.
Comment: Has not been previously published as pathogenic or benign to our knowledge; Not observed at significant frequency in large population cohorts (gnomAD); In silico analysis supports that this missense variant does not alter protein structure/function

NM_015559.3(SETBP1):c.973C>A (p.Pro325Thr)

Gene: SETBP1 (SET binding protein 1; plus strand). Cytogenetic location: 18q12.3.
Variant type: single nucleotide variant.
Coding change: c.973C>A on transcript NM_015559.3 (MANE Select); coding-DNA position 973, C replaced by A.
Protein change: p.Pro325Thr; replaces proline 325 with threonine.
Molecular consequence: missense variant.
Genome position (GRCh38, 1-based): chr18:44,950,313, C>A. VCF-style: chr18-44950313-C-A. GRCh37 (hg19) VCF-style: chr18-42530278-C-A.
Other names: c.973C>A, p.Pro325Thr (NM_001379141.1, NM_001379142.1); short protein forms P325T.
Identifiers: ClinVar variation 1699547 (VCV001699547.2), dbSNP rs2071310564, ClinGen allele CA402317236.